The following is an entry in ClinVar:

ClinVar aggregate classification (germline): Pathogenic (1 of 4 stars; one submission).

Submission:

Labcorp Genetics (formerly Invitae), Labcorp
Classification: Pathogenic. Last evaluated: 2025-09-28. Review status: criteria provided, single submitter. Criteria: Invitae Variant Classification Sherloc (09022015). Collection method: clinical testing. Allele origin: germline.
Comment: This sequence change creates a premature translational stop signal (p.Glu39*) in the EPB41 gene. It is expected to result in an absent or disrupted protein product. Loss-of-function variants in EPB41 are known to be pathogenic (PMID: 21839655, 27551681, 27667160, 33942936). This variant is not present in population databases (gnomAD no frequency). This premature translational stop signal has been observed in individual(s) with elliptocytosis (PMID: 35351432). This variant is also known as c.742G>T, p.Glu248X. Algorithms developed to predict the effect of sequence changes on RNA splicing suggest that this variant may disrupt the consensus splice site. For these reasons, this variant has been classified as Pathogenic.

Literature cited by the submitters: PubMed 21839655; PubMed 27551681; PubMed 27667160; PubMed 33942936; PubMed 35351432.

NM_001376013.1(EPB41):c.742G>T (p.Glu248Ter)

Gene: EPB41 (erythrocyte membrane protein band 4.1; plus strand). Cytogenetic location: 1p35.3.
Variant type: single nucleotide variant.
Coding change: c.742G>T on transcript NM_001376013.1 (MANE Select); coding-DNA position 742, G replaced by T.
Protein change: p.Glu248Ter; replaces glutamic acid 248 with a stop codon.
Molecular consequence: nonsense. On other transcripts: intron variant (1).
Genome position (GRCh38, 1-based): chr1:28,997,275, G>T. VCF-style: chr1-28997275-G-T. GRCh37 (hg19) VCF-style: chr1-29323787-G-T.
Other names: c.742G>T, p.Glu248Ter (NM_001166006.2, NM_001376014.1, NM_001376015.1 and 7 more transcripts); c.115G>T, p.Glu39Ter (NM_001166007.2, NM_001376022.1, NM_001376023.1 and 7 more transcripts); c.681+3733G>T (NM_203343.3); short protein forms E39*, E248*.
Identifiers: ClinVar variation 4779011 (VCV004779011.1).